The following is an entry in ClinVar:

ClinVar aggregate classification (germline): Uncertain significance (1 of 4 stars; one submission).

Conditions:
ELN-related disorder.

Submission:

PreventionGenetics, part of Exact Sciences
Classification: Uncertain significance for ELN-related condition. Last evaluated: 2023-06-20. Review status: criteria provided, single submitter. Criteria: ACMG Guidelines, 2015. Collection method: clinical testing. Allele origin: germline.
Comment: The ELN c.53T>C variant is predicted to result in the amino acid substitution p.Leu18Pro. To our knowledge, this variant has not been reported in the literature or in a large population database, indicating this variant is rare. At this time, the clinical significance of this variant is uncertain due to the absence of conclusive functional and genetic evidence.

NM_000501.4(ELN):c.53T>C (p.Leu18Pro)

Gene: ELN (elastin; plus strand). Cytogenetic location: 7q11.23.
Variant type: single nucleotide variant.
Coding change: c.53T>C on transcript NM_000501.4 (MANE Select); coding-DNA position 53, T replaced by C.
Protein change: p.Leu18Pro; replaces leucine 18 with proline.
Molecular consequence: missense variant.
Genome position (GRCh38, 1-based): chr7:74,028,240, T>C. VCF-style: chr7-74028240-T-C. GRCh37 (hg19) VCF-style: chr7-73442570-T-C.
Other names: c.53T>C, p.Leu18Pro (NM_001081752.3, NM_001081753.3, NM_001081754.3 and 9 more transcripts); short protein forms L18P.
Identifiers: ClinVar variation 2632324 (VCV002632324.1), dbSNP rs2484444080, ClinGen allele CA367868709.